The following continues an entry in ClinVar:

NM_000158.4(GBE1):c.986A>G (p.Tyr329Cys)

Gene: GBE1. ClinVar aggregate classification (germline): Conflicting classifications of pathogenicity. Pathogenic (2); Likely pathogenic (12); Uncertain significance (12).

Submissions 9 to 27 of 27:

Broad Center for Mendelian Genomics, Broad Institute of MIT and Harvard
Classification: Uncertain significance for Glycogen storage disease, type IV. Last evaluated: 2025-05-05. Review status: criteria provided, single submitter. Criteria: ACMG Guidelines, 2015. Collection method: curation. Allele origin: germline. Inheritance: Autosomal recessive inheritance.
Comment: The p.Tyr329Cys variant in GBE1 has been reported in 6 individuals with GBE1-related disorders (PMID: 30293248, 23034915), and has been identified in 1% (65/6020) of Middle Eastern chromosomes by the Genome Aggregation Database, including five homozygotes (gnomAD; dbSNP ID: rs80338671). This variant has also been identified in 0.04% (11/2404) of chromosomes by the Iranome Database, including 1 homozygote (dbSNP ID: rs80338671). This variant has been reported in ClinVar (Variation ID#: 371439) and has been interpreted as likely pathogenic by multiple submitters, and as uncertain significance by multiple submitters. Of the 6 affected individuals, 1 of those were homozygote, which increases the likelihood that the p.Tyr329Cys variant is pathogenic (PMID: 30293248). Computational prediction tools and conservation analyses suggest that this variant may impact the protein, though this information is not predictive enough to determine pathogenicity. One additional pathogenic variant, resulting in a different amino acid change at the same position, p.Tyr329Ser, has been reported in association with disease in the literature and ClinVar, supporting that a change at this position may not be tolerated (PMID: 8613547, 9851430, 20655781, 23034915, 25133958, 25665141, 33332610, 26385640; Variation ID: 2777). In summary, while the clinical significance of the p.Tyr329Cys variant is uncertain, these data suggest that it is more likely to be benign. ACMG/AMP Criteria applied: PP3_moderate, PM3_supporting, PM5 (Richards 2015).

First Genomix Gene Laboratory, Genetic Diagnostics Department
Classification: Likely pathogenic for Glycogen storage disease, type IV; Adult polyglucosan body disease. Last evaluated: 2025-04-14. Review status: criteria provided, single submitter. Criteria: ACMG Guidelines, 2015. Collection method: clinical testing. Allele origin: germline. Inheritance: Autosomal recessive inheritance. Affected: no. Observed: 1 variant allele.

Revvity Omics, Revvity
Classification: Likely pathogenic. Last evaluated: 2025-02-11. Review status: criteria provided, single submitter. Criteria: ACMG Guidelines, 2015. Collection method: clinical testing. Allele origin: germline.

Blueprint Genetics
Classification: Likely pathogenic for GBE1-related disorders. Last evaluated: 2024-11-04. Review status: criteria provided, single submitter. Criteria: ACMG Guidelines, 2015. Collection method: clinical testing. Allele origin: germline. Affected: yes. Observed: 5 variant alleles.

ARUP Laboratories, Molecular Genetics and Genomics, ARUP Laboratories
Classification: Likely pathogenic. Last evaluated: 2024-08-29. Review status: criteria provided, single submitter. Criteria: ARUP Molecular Germline Variant Investigation Process 2024. Collection method: clinical testing. Allele origin: germline.
Comment: The GBE1 c.986A>G; p.Tyr329Cys variant (rs80338671) is reported in the literature as both homozygotes and heterozygotes in several individuals affected with adult polyglucosan body disease (APBD) (Krenn 2024, Latif 2024, Mochel 2012, Nair 2018). In heterozygous individuals, either a second variant was not detected or else was not known to be pathogenic (Mochel 2012). The p.Tyr329Cys variant is found in the South Asian population with an allele frequency of 0.09% (27/30586 alleles, including one homozygote) in the Genome Aggregation Database (v2.1.1). The tyrosine at codon 329 is highly conserved, and computational analyses predict that this variant is deleterious (REVEL: 0.97). Additionally, another variant at this codon (c.986A>C, p.Tyr329Ser) is a founder pathogenic variant detected in homozygous state in individuals of Ashkenazi-Jewish descent affected with APBD (Lossos 1998, Mochel 2012). Based on available information, this variant is considered to be likely pathogenic. References: Krenn M et al. Next-generation sequencing and comprehensive data reassessment in 263 adult patients with neuromuscular disorders: insights into the gray zone of molecular diagnoses. J Neurol. 2024 Apr. PMID: 38127101 Latif M et al. Identification of Novel and Recurrent Variants in BTD, GBE1, AGL and ASL Genes in Families with Metabolic Disorders in Saudi Arabia. J Clin Med. 2024 Feb 20. PMID: 38592052 Lossos et al. Adult polyglucosan body disease in Ashkenazi Jewish patients carrying the Tyr329Ser mutation in the glycogen-branching enzyme gene. Ann Neurol. 1998 Dec;44(6):867-72. PMID: 9851430. Mochel et al. Adult polyglucosan body disease: Natural History and Key Magnetic Resonance Imaging Findings. Ann Neurol. 2012 Sep;72(3):433-41. PMID: 23034915. Nair et al. Contribution of next generation sequencing in pediatric practice in Lebanon. A Study on 213 cases. Mol Genet Genomic Med. 2018 Nov;6(6):1041-1052. PMID: 30293248.

Genomic Medicine Center of Excellence, King Faisal Specialist Hospital and Research Centre
Classification: Uncertain significance for Glycogen storage disease, type IV. Last evaluated: 2024-03-26. Review status: criteria provided, single submitter. Criteria: ACMG Guidelines, 2015. Collection method: clinical testing. Allele origin: germline.

Fulgent Genetics
Classification: Likely pathogenic for Glycogen storage disease, type IV; Adult polyglucosan body disease. Last evaluated: 2024-01-29. Review status: criteria provided, single submitter. Criteria: ACMG Guidelines, 2015. Collection method: clinical testing. Allele origin: germline.

Baylor Genetics
Classification: Uncertain significance for Glycogen storage disease, type IV. Last evaluated: 2023-07-15. Review status: criteria provided, single submitter. Criteria: ACMG Guidelines, 2015. Collection method: clinical testing. Allele origin: unknown.

Department of Pathology and Laboratory Medicine, Sinai Health System
Classification: Likely pathogenic for Glycogen storage disease, type IV. Last evaluated: 2023-06-05. Review status: criteria provided, single submitter. Criteria: ACMG Guidelines, 2015. Collection method: research. Allele origin: germline.

Genome-Nilou Lab
Classification: Uncertain significance for Glycogen storage disease, type IV. Last evaluated: 2021-07-22. Review status: criteria provided, single submitter. Criteria: ACMG Guidelines, 2015. Collection method: clinical testing. Allele origin: germline. Affected: no.

Genome-Nilou Lab
Classification: Uncertain significance for Adult polyglucosan body disease. Last evaluated: 2021-07-22. Review status: criteria provided, single submitter. Criteria: ACMG Guidelines, 2015. Collection method: clinical testing. Allele origin: germline. Affected: no.

Genetics and Molecular Pathology, SA Pathology
Classification: Likely pathogenic for Glycogen storage disease, type IV. Last evaluated: 2021-05-26. Review status: criteria provided, single submitter. Criteria: ACMG Guidelines, 2015. Collection method: clinical testing. Allele origin: germline. Inheritance: Autosomal recessive inheritance. Affected: yes.

Dubai Health Genomic Medicine Center, Dubai Health
Classification: Uncertain significance. Last evaluated: 2020-07-23. Review status: criteria provided, single submitter. Criteria: ACMG Guidelines, 2015. Collection method: clinical testing. Allele origin: germline. Affected: yes.
Comment: The Tyr329Cys missense variant in the GBE1 gene has been previously reported in five individuals with adult polyglucosan body disease who carried a second missense variant (Asn556Tyr) although phase of these variants was described as compound heterozygous in only one individual (PMID: 23034915). All five patients were reported to have reduced GBE enzymatic activity (PMID: 23034915). This variant was also identified in the homozygous state in one patient with glycogen storage disease (PMID: 30293248). Another missense variant at the same codon (Tyr329Ser) is commonly observed within affected Ashkenazi Jews (PMID: 23034915). However the Tyr329Cys variant was also identified in 27/30586 (0.08%) South Asian alleles including one homozygote in the Genome Aggregation Database (gnomAD). It was also identified in 10/1976 Middle Eastern alleles including one homozygote in the Greater Middle East (GNE) Variome Database. Furthermore this variant is reportedly present in 3 presumably healthy homozygous individuals tested at another clinical laboratory (ClinVar ID: 371439). Computational prediction tools and conservation analyses suggest an impact to protein function though this information is not predictive enough to confirm out pathogenicity. In summary more information is needed to determine the clinical significance of this variant.

Genetic Services Laboratory, University of Chicago
Classification: Uncertain significance. Last evaluated: 2019-06-19. Review status: criteria provided, single submitter. Criteria: ACMG Guidelines, 2015. Collection method: clinical testing. Allele origin: germline. Affected: no.

Illumina Laboratory Services, Illumina
Classification: Uncertain significance for Glycogen storage disease, type IV. Last evaluated: 2017-04-27. Review status: criteria provided, single submitter. Criteria: ICSL Variant Classification Criteria 13 December 2019. Collection method: clinical testing. Allele origin: germline.
Comment: This variant was observed as part of a predisposition screen in an ostensibly healthy population. A literature search was performed for the gene, cDNA change, and amino acid change (where applicable). Publications were found based on this search. However, the evidence from the literature, in combination with allele frequency data from public databases where available, was not sufficient to rule this variant in or out of causing disease. Therefore, this variant is classified as a variant of unknown significance.

Illumina Laboratory Services, Illumina
Classification: Uncertain significance for Adult polyglucosan body disease. Last evaluated: 2017-04-27. Review status: criteria provided, single submitter. Criteria: ICSL Variant Classification Criteria 13 December 2019. Collection method: clinical testing. Allele origin: germline.

Kariminejad - Najmabadi Pathology & Genetics Center
Classification: Likely pathogenic for Glycogen storage disease, type IV. Review status: criteria provided, single submitter. Criteria: ACMG Guidelines, 2015. Collection method: clinical testing. Allele origin: germline. Affected: no.

Neuberg Centre For Genomic Medicine, NCGM
Classification: Uncertain significance for Glycogen storage disease, type IV. Review status: criteria provided, single submitter. Criteria: ACMG Guidelines, 2015. Collection method: clinical testing. Allele origin: germline. Inheritance: Autosomal recessive inheritance. Affected: yes.
Comment: The missense c.986A>G p.Tyr329Cys variant in the GBE1 gene has been reported in 6 individuals with GBE1-related disorders Nair, Pratibha et al., 2018. This variant is reported with the allele frequency 0.04% in the gnomAD Exomes and novel in 1000 Genomes. It is submitted to ClinVar as Likely Pathogenic/ Uncertain Significance multiple submissions. The amino acid Tyrosine at position 329 is changed to a Cysteine changing protein sequence and it might alter its composition and physico-chemical properties. The variant is predicted as damaging by SIFT. The amino acid change p.Tyr329Cys in GBE1 is predicted as conserved by GERP++ and PhyloP across 100 vertebrates. For these reasons, this variant has been classified as Uncertain Significance.

Counsyl
Classification: Likely pathogenic for Glycogen storage disease, type IV. Last evaluated: 2016-10-31. Review status: no assertion criteria provided. Collection method: clinical testing. Allele origin: unknown. Not counted in ClinVar's aggregate classification.

Literature cited by the submitters: PubMed 23034915 (cited by 5 submitters); PubMed 8613547 (cited by 3 submitters); PubMed 25665141 (cited by Labcorp Genetics (formerly Invitae), Labcorp and Mayo Clinic Laboratories, Mayo Clinic); PubMed 26199317 (cited by Labcorp Genetics (formerly Invitae), Labcorp); PubMed 26385640 (cited by Labcorp Genetics (formerly Invitae), Labcorp); PubMed 27528516 (cited by 3 submitters); PubMed 30293248 (cited by 4 submitters); PubMed 31209396 (cited by Myriad Genetics, Inc. and Women's Health and Genetics/Laboratory Corporation of America, LabCorp); PubMed 31319225 (cited by 3 submitters); PubMed 31980526 (cited by 3 submitters); PubMed 38127101 (cited by Myriad Genetics, Inc.); PubMed 38592052 (cited by Myriad Genetics, Inc. and Mayo Clinic Laboratories, Mayo Clinic); PubMed 20655781 (cited by Mayo Clinic Laboratories, Mayo Clinic); PubMed 25133958 (cited by Mayo Clinic Laboratories, Mayo Clinic); PubMed 28716262 (cited by Mayo Clinic Laboratories, Mayo Clinic and Women's Health and Genetics/Laboratory Corporation of America, LabCorp); PubMed 30228975 (cited by Mayo Clinic Laboratories, Mayo Clinic); PubMed 31207142 (cited by Mayo Clinic Laboratories, Mayo Clinic and Women's Health and Genetics/Laboratory Corporation of America, LabCorp); PubMed 33348688 (cited by Mayo Clinic Laboratories, Mayo Clinic); PubMed 34297361 (cited by Mayo Clinic Laboratories, Mayo Clinic); PubMed 34426522 (cited by Mayo Clinic Laboratories, Mayo Clinic and Women's Health and Genetics/Laboratory Corporation of America, LabCorp); PubMed 36703223 (cited by Mayo Clinic Laboratories, Mayo Clinic); PubMed 37510298 (cited by Mayo Clinic Laboratories, Mayo Clinic).